The following is an entry in ClinVar:

ClinVar aggregate classification (germline): Likely pathogenic (1 of 4 stars; one submission).

Conditions:
Frasier syndrome. Identifiers: Orphanet 347, MedGen C0950122, MeSH D052159, MONDO:0007635, OMIM 136680.
Drash syndrome (DDS). Also called: NEPHROPATHY, WILMS TUMOR, AND GENITAL ANOMALIES; WILMS TUMOR AND PSEUDO- OR TRUE HERMAPHRODITISM. Identifiers: Orphanet 220, MedGen C0950121, MONDO:0008682, OMIM 194080.
Wilms tumor 1 (WT1). Also called: Wilms tumor, somatic. Identifiers: Orphanet 654, MedGen CN033288, MONDO:0008679, OMIM 194070.
11p partial monosomy syndrome (WAGR). Also called: WAGR Spectrum Disorder; WAGR syndrome; CHROMOSOME 11p13 DELETION SYNDROME; WAGR Complex. Identifiers: Orphanet 893, MedGen C0206115, MONDO:0008681, OMIM 194072.

Submission:

Labcorp Genetics (formerly Invitae), Labcorp
Classification: Likely pathogenic for Wilms tumor 1; Drash syndrome; 11p partial monosomy syndrome; Frasier syndrome. Last evaluated: 2022-10-06. Review status: criteria provided, single submitter. Criteria: Invitae Variant Classification Sherloc (09022015). Collection method: clinical testing. Allele origin: germline.
Comment: This sequence change affects a donor splice site in intron 5 of the WT1 gene. It is expected to disrupt RNA splicing. Variants that disrupt the donor or acceptor splice site typically lead to a loss of protein function (PMID: 16199547), and loss-of-function variants in WT1 are known to be pathogenic (PMID: 15150775). This variant is not present in population databases (gnomAD no frequency). This variant has not been reported in the literature in individuals affected with WT1-related conditions. In summary, the currently available evidence indicates that the variant is pathogenic, but additional data are needed to prove that conclusively. Therefore, this variant has been classified as Likely Pathogenic. ClinVar contains an entry for this variant (Variation ID: 1518490). Algorithms developed to predict the effect of sequence changes on RNA splicing suggest that this variant may disrupt the consensus splice site.

Literature cited by the submitters: PubMed 16199547; PubMed 15150775.

NM_024426.6(WT1):c.1016+1G>A

Gene: WT1 (WT1 transcription factor; minus strand). Cytogenetic location: 11p13.
Variant type: single nucleotide variant.
Coding change: c.1016+1G>A on transcript NM_024426.6 (MANE Select); the canonical splice donor site of the intron after coding-DNA position 1016, G replaced by A.
Molecular consequence: splice donor variant. On other transcripts: intron variant (6).
Genome position (GRCh38, 1-based): chr11:32,416,489, C>T on the plus strand (G>A on the coding strand, the complement: WT1 is on the minus strand). VCF-style: chr11-32416489-C-T. GRCh37 (hg19) VCF-style: chr11-32438035-C-T.
Other names: c.842+1088G>A (NM_001407050.1); c.893+1G>A (NM_001407047.1); c.965+1088G>A (NM_001407048.1, NM_001407049.1, NM_000378.6 and 1 more transcripts); c.1016+1G>A (NM_001407044.1, NM_001407046.1, NM_024424.5); c.254+1G>A (NM_001407051.1); c.314+1088G>A (NM_001198552.2); c.365+1G>A (NM_001198551.2).
Identifiers: ClinVar variation 1518490 (VCV001518490.9), dbSNP rs2133032244, ClinGen allele CA379961375.